The following is an entry in ClinVar:

NC_000009.12:g.70810054T>C

Genes: MIR204 (microRNA 204; minus strand), TRPM3 (transient receptor potential cation channel subfamily M member 3; minus strand). Cytogenetic location: 9q21.12.
Variant type: single nucleotide variant.
Molecular consequence: intron variant (on NM_001366145.2). On other transcripts: non-coding transcript variant (1).
Genome position: GRCh38 VCF-style: chr9-70810054-T-C. GRCh37 (hg19) VCF-style: chr9-73424970-T-C.
Other names: c.979+17793A>G (NM_001366143.2, NM_001366141.2, NM_001366142.2 and 1 more transcripts); c.973+17793A>G (NM_001366150.2, NM_001366151.2, NM_001007471.4 and 4 more transcripts); c.1048+1116A>G (NM_001366148.2, NM_001366152.2, NM_001366147.2); c.514+17793A>G (NM_206944.5, NM_020952.6, NM_206945.5 and 3 more transcripts); c.589+1116A>G (NM_206947.5, NM_206946.5, NM_001007470.3).
Identifiers: ClinVar variation 4767694 (VCV004767694.1).
Genomic context (GRCh38, chr9:70,810,054, plus strand): 5'-CGTCCCTTTGCCTTCCCAGCCTCCTTCATATATTCTCAGGCATAGGATGACAAAGGGAAG[T>C]CCACGAGTCACATGAAGAAAGACTGTAGCCATGGGTACGCGATCAGGAAGTCCTCTGCTT-3'

ClinVar aggregate classification (germline): Uncertain significance (1 of 4 stars; one submission).

gnomAD v4.1: 5 of 534,458 alleles (0.00094%); highest among the groups gnomAD compares: African/African-American, 0.0096%; no homozygotes.

Submission:

Labcorp Genetics (formerly Invitae), Labcorp
Classification: Uncertain significance. Last evaluated: 2025-11-08. Review status: criteria provided, single submitter. Criteria: Invitae Variant Classification Sherloc (09022015). Collection method: clinical testing. Allele origin: germline.
Comment: This variant occurs in the MIR204 gene, which encodes an RNA molecule that does not result in a protein product. This variant is present in population databases (no rsID available, gnomAD 0.01%). This variant has not been reported in the literature in individuals affected with MIR204-related conditions. Experimental studies and prediction algorithms are not available or were not evaluated, and the functional significance of this variant is currently unknown. In summary, the available evidence is currently insufficient to determine the role of this variant in disease. Therefore, it has been classified as a Variant of Uncertain Significance.